The following is an entry in ClinVar:

NM_201384.3(PLEC):c.13376C>T (p.Thr4459Met)

Gene: PLEC (plectin; minus strand). Cytogenetic location: 8q24.3.
Variant type: single nucleotide variant.
Coding change: c.13376C>T on transcript NM_201384.3 (MANE Select); coding-DNA position 13376, C replaced by T.
Protein change: p.Thr4459Met; replaces threonine 4459 with methionine.
Molecular consequence: missense variant.
Genome position (GRCh38, 1-based): chr8:143,916,445, G>A on the plus strand (C>T on the coding strand, the complement: PLEC is on the minus strand). VCF-style: chr8-143916445-G-A. GRCh37 (hg19) VCF-style: chr8-144990613-G-A.
Other names: c.13457C>T, p.Thr4486Met (NM_000445.5); c.13334C>T, p.Thr4445Met (NM_201378.4); c.13310C>T, p.Thr4437Met (NM_201379.3); c.13787C>T, p.Thr4596Met (NM_201380.4); c.13280C>T, p.Thr4427Met (NM_201381.3); c.13376C>T, p.Thr4459Met (NM_201382.4); c.13388C>T, p.Thr4463Met (NM_201383.3); short protein forms T4437M, T4445M, T4459M, T4463M, T4427M, T4486M, T4596M.
Identifiers: ClinVar variation 864678 (VCV000864678.9), dbSNP rs1294742803, ClinGen allele CA372474708.
Genomic context (GRCh38, chr8:143,916,445, plus strand): 5'-CTGTAGGGGCTGTAGTAGCCCTTGGTGGACTGCGCGGCAGCCTCCAGCAGCCGCAGCCCC[G>A]TGCCCTCCTCCACCATGCTGCGGTCCAGCGCGTCCTTATAGGAGATCTTGAGCTTGGTCT-3'
Protein context (NP_958786.1, residues 4449-4469): ALDRSMVEEG[Thr4459Met]GLRLLEAAAQ

ClinVar aggregate classification (germline): Uncertain significance (1 of 4 stars; one submission).

Conditions:
Epidermolysis bullosa simplex 5B, with muscular dystrophy (EBS5B). Also called: EPIDERMOLYSIS BULLOSA SIMPLEX AND LIMB-GIRDLE MUSCULAR DYSTROPHY; Epidermolysis bullosa simplex with muscular dystrophy. Identifiers: Orphanet 257, MedGen C2931072, MONDO:0009181, OMIM 226670.
Epidermolysis bullosa simplex, Ogna type (EBS5A). Also called: Pidermolysis bullosa simplex 5A, Ogna type; EPIDERMOLYSIS BULLOSA SIMPLEX 5A, OGNA TYPE. Identifiers: Orphanet 79401, MedGen C0432317, MONDO:0007555, OMIM 131950.
Epidermolysis bullosa simplex 5C, with pyloric atresia (EBS5C). Also called: PLEC1-Related Epidermolysis Bullosa with Pyloric Atresia; PLEC-Related Epidermolysis Bullosa with Pyloric Atresia; Epidermolysis bullosa simplex with pyloric atresia. Identifiers: Orphanet 158684, MedGen C2677349, MONDO:0012807, OMIM 612138.
Autosomal recessive limb-girdle muscular dystrophy type 2Q (LGMDR17). Also called: MUSCULAR DYSTROPHY, LIMB-GIRDLE, AUTOSOMAL RECESSIVE 17. Identifiers: Orphanet 254361, MedGen C3150989, MONDO:0013390, OMIM 613723.
Epidermolysis bullosa simplex with nail dystrophy (EBS5D). Identifiers: MedGen C4225309, MONDO:0014661, OMIM 616487.

Allele frequency attached by ClinVar (database versions not stated): gnomAD exomes 0.00001; TOPMed 0.00002; gnomAD 0.00003.

Submission:

Labcorp Genetics (formerly Invitae), Labcorp
Classification: Uncertain significance for Autosomal recessive limb-girdle muscular dystrophy type 2Q; Epidermolysis bullosa simplex, Ogna type; Epidermolysis bullosa simplex with nail dystrophy; Epidermolysis bullosa simplex 5C, with pyloric atresia; Epidermolysis bullosa simplex 5B, with muscular dystrophy. Last evaluated: 2024-02-14. Review status: criteria provided, single submitter. Criteria: Invitae Variant Classification Sherloc (09022015). Collection method: clinical testing. Allele origin: germline.
Comment: This sequence change replaces threonine, which is neutral and polar, with methionine, which is neutral and non-polar, at codon 4486 of the PLEC protein (p.Thr4486Met). This variant is present in population databases (no rsID available, gnomAD 0.007%). This variant has not been reported in the literature in individuals affected with PLEC-related conditions. ClinVar contains an entry for this variant (Variation ID: 864678). Advanced modeling of protein sequence and biophysical properties (such as structural, functional, and spatial information, amino acid conservation, physicochemical variation, residue mobility, and thermodynamic stability) performed at Invitae indicates that this missense variant is not expected to disrupt PLEC protein function with a negative predictive value of 80%. In summary, the available evidence is currently insufficient to determine the role of this variant in disease. Therefore, it has been classified as a Variant of Uncertain Significance.